The following is an entry in ClinVar:

ClinVar aggregate classification (germline): Pathogenic (1 of 4 stars; one submission).

Submission:

Labcorp Genetics (formerly Invitae), Labcorp
Classification: Pathogenic. Last evaluated: 2023-04-03. Review status: criteria provided, single submitter. Criteria: Invitae Variant Classification Sherloc (09022015). Collection method: clinical testing. Allele origin: unknown.
Comment: This variant is a gross deletion of the genomic region encompassing exon(s) 9-10 of the TSHR gene, which includes the termination codon. This deletion extends beyond the assayed region for this gene and therefore may encompass additional genes. While this deletion is not anticipated to lead to nonsense mediated decay, it is expected to alter mRNA translation or result in a truncated protein product. This variant has not been reported in the literature in individuals affected with TSHR-related conditions. In summary, the available evidence is currently insufficient to determine the role of this variant in disease. Therefore, it has been classified as a Variant of Uncertain Significance.

NC_000014.8:g.(?_81606003)_(81610697_?)del

Gene: TSHR (thyroid stimulating hormone receptor; plus strand). Cytogenetic location: 14q31.1.
Variant type: Deletion.
Identifiers: ClinVar variation 3244060 (VCV003244060.1).